The following is an entry in ClinVar:

NM_001378418.1(TCF20):c.919C>T (p.Gln307Ter)

Gene: TCF20 (transcription factor 20; minus strand). Cytogenetic location: 22q13.2.
Variant type: single nucleotide variant.
Coding change: c.919C>T on transcript NM_001378418.1 (MANE Select); coding-DNA position 919, C replaced by T.
Protein change: p.Gln307Ter; replaces glutamine 307 with a stop codon.
Molecular consequence: nonsense.
Genome position (GRCh38, 1-based): chr22:42,214,387, G>A on the plus strand (C>T on the coding strand, the complement: TCF20 is on the minus strand). VCF-style: chr22-42214387-G-A. GRCh37 (hg19) VCF-style: chr22-42610393-G-A.
Other names: c.919C>T, p.Gln307Ter (NM_005650.4, NM_181492.3); short protein forms Q307*.
Identifiers: ClinVar variation 3454099 (VCV003454099.1).

ClinVar aggregate classification (germline): Pathogenic (1 of 4 stars; one submission).

Conditions:
Inborn genetic diseases. Identifiers: MedGen C0950123, MeSH D030342.

Submission:

Ambry Genetics
Classification: Pathogenic for Inborn genetic diseases. Last evaluated: 2024-07-11. Review status: criteria provided, single submitter. Criteria: Ambry Variant Classification Scheme 2023. Collection method: clinical testing. Allele origin: germline.
Comment: The c.919C>T (p.Q307*) alteration, located in exon 1 (coding exon 1) of the TCF20 gene, consists of a C to T substitution at nucleotide position 919. This changes the amino acid from a glutamine (Q) to a stop codon at amino acid position 307. This alteration is expected to result in loss of function by premature protein truncation or nonsense-mediated mRNA decay. This variant was not reported in population-based cohorts in the Genome Aggregation Database (gnomAD). Based on the available evidence, this alteration is classified as pathogenic.